The following is an entry in ClinVar:

ClinVar aggregate classification (germline): Uncertain significance (1 of 4 stars; one submission).

Conditions:
DNA ligase IV deficiency. Identifiers: Orphanet 99812, MedGen C1847827, MONDO:0011686, OMIM 606593.

Allele frequency attached by ClinVar (database versions not stated): gnomAD 0.00001; TOPMed 0.00002.
gnomAD v4.1: 1 of 1,613,682 alleles (0.000062%); highest among the groups gnomAD compares: African/African-American, 0.0013%; no homozygotes.

Submission:

Labcorp Genetics (formerly Invitae), Labcorp
Classification: Uncertain significance for DNA ligase IV deficiency. Last evaluated: 2022-05-25. Review status: criteria provided, single submitter. Criteria: Invitae Variant Classification Sherloc (09022015). Collection method: clinical testing. Allele origin: germline.
Comment: This sequence change replaces glycine, which is neutral and non-polar, with glutamic acid, which is acidic and polar, at codon 295 of the LIG4 protein (p.Gly295Glu). This variant is not present in population databases (gnomAD no frequency). This variant has not been reported in the literature in individuals affected with LIG4-related conditions. Algorithms developed to predict the effect of missense changes on protein structure and function are either unavailable or do not agree on the potential impact of this missense change (SIFT: "Deleterious"; PolyPhen-2: "Probably Damaging"; Align-GVGD: "Class C0"). In summary, the available evidence is currently insufficient to determine the role of this variant in disease. Therefore, it has been classified as a Variant of Uncertain Significance.

NM_206937.2(LIG4):c.884G>A (p.Gly295Glu)

Gene: LIG4 (DNA ligase 4; minus strand). Cytogenetic location: 13q33.3.
Variant type: single nucleotide variant.
Coding change: c.884G>A on transcript NM_206937.2 (MANE Select); coding-DNA position 884, G replaced by A.
Protein change: p.Gly295Glu; replaces glycine 295 with glutamic acid.
Molecular consequence: missense variant.
Genome position (GRCh38, 1-based): chr13:108,210,385, C>T on the plus strand (G>A on the coding strand, the complement: LIG4 is on the minus strand). VCF-style: chr13-108210385-C-T. GRCh37 (hg19) VCF-style: chr13-108862733-C-T.
Other names: c.884G>A, p.Gly295Glu (NM_001098268.2, NM_001352598.2, NM_001352599.2 and 6 more transcripts); c.683G>A, p.Gly228Glu (NM_001330595.2); c.920G>A, p.Gly307Glu (NM_001352604.2); short protein forms G295E, G228E, G307E.
Identifiers: ClinVar variation 1998717 (VCV001998717.1), dbSNP rs1278030492, ClinGen allele CA388619436.